The following is an entry in ClinVar:

NM_025136.4(OPA3):c.*1340C>T

Genes: OPA3 (outer mitochondrial membrane lipid metabolism regulator OPA3; minus strand), OPA3-RTN2 (OPA3-RTN2 readthrough; minus strand). Cytogenetic location: 19q13.32.
Variant type: single nucleotide variant.
Coding change: c.*1340C>T on transcript NM_025136.4 (MANE Select); 1340 bases downstream of the stop codon, C replaced by T.
Molecular consequence: 3 prime UTR variant. On other transcripts: intron variant (1).
Genome position (GRCh38, 1-based): chr19:45,552,174, G>A on the plus strand (C>T on the coding strand, the complement: OPA3 is on the minus strand). VCF-style: chr19-45552174-G-A. GRCh37 (hg19) VCF-style: chr19-46055432-G-A.
Other names: c.143-22718C>T (NM_001017989.3).
Identifiers: ClinVar variation 329656 (VCV000329656.6), dbSNP rs12104391, ClinGen allele CA10643018.

ClinVar aggregate classification (germline): Benign/Likely benign. Review status: criteria provided, multiple submitters, no conflicts (2 of 4 stars). 3 submissions from 2 submitters: Benign (1); Likely benign (2). Last evaluated 2018-01-12.

Conditions:
Optic atrophy 3 (OPA3). Also called: OPTIC ATROPHY 3, AUTOSOMAL DOMINANT; Optic atrophy, cataract, and neurologic disorder; Optic atrophy 3 with cataract. Identifiers: Orphanet 67036, MedGen C1833809, MONDO:0008133, OMIM 165300.
3-Methylglutaconic aciduria type 3 (MGCA3). Also called: OPA3, AUTOSOMAL RECESSIVE; OPTIC ATROPHY 3, AUTOSOMAL RECESSIVE; Costeff Syndrome; OPA3-Related 3-Methylglutaconic Aciduria. Identifiers: Orphanet 67047, MedGen C0574084, MONDO:0009787, OMIM 258501.

Allele frequency attached by ClinVar (database versions not stated): gnomAD exomes 0.00095; 1000 Genomes Project 0.01058; 1000 Genomes Project 30x 0.01109; gnomAD 0.01135 and 0.01224; TOPMed 0.01345.
gnomAD v4.1: 2,541 of 985,274 alleles (0.26%); highest among the groups gnomAD compares: African/African-American, 4.1%; 48 homozygotes.

Submissions (3):

Illumina Laboratory Services, Illumina
Classification: Benign for Optic atrophy 3. Last evaluated: 2018-01-12. Review status: criteria provided, single submitter. Criteria: ICSL Variant Classification Criteria 13 December 2019. Collection method: clinical testing. Allele origin: germline.
Comment: This variant was observed in the ICSL laboratory as part of a predisposition screen in an ostensibly healthy population. It had not been previously curated by ICSL or reported in the Human Gene Mutation Database (HGMD: prior to June 1st, 2018), and was therefore a candidate for classification through an automated scoring system. Utilizing variant allele frequency, disease prevalence and penetrance estimates, and inheritance mode, an automated score was calculated to assess if this variant is too frequent to cause the disease. Based on the score and internal cut-off values, a variant classified as benign is not then subjected to further curation. The score for this variant resulted in a classification of benign for this disease.

Illumina Laboratory Services, Illumina
Classification: Likely benign for 3-Methylglutaconic aciduria type 3. Last evaluated: 2018-01-12. Review status: criteria provided, single submitter. Criteria: ICSL Variant Classification Criteria 13 December 2019. Collection method: clinical testing. Allele origin: germline.
Comment: This variant was observed in the ICSL laboratory as part of a predisposition screen in an ostensibly healthy population. It had not been previously curated by ICSL or reported in the Human Gene Mutation Database (HGMD: prior to June 1st, 2018), and was therefore a candidate for classification through an automated scoring system. Utilizing variant allele frequency, disease prevalence and penetrance estimates, and inheritance mode, an automated score was calculated to assess if this variant is too frequent to cause the disease. Based on the score and internal cut-off values, a variant classified as likely benign is not then subjected to further curation. The score for this variant resulted in a classification of likely benign for this disease.

Breakthrough Genomics
Classification: Likely benign. Review status: criteria provided, single submitter. Criteria: ACMG Guidelines, 2015. Collection method: not provided. Allele origin: germline. Inheritance: Autosomal recessive inheritance. Affected: yes.